The following is an entry in ClinVar:

NM_000346.4(SOX9):c.1212C>G (p.Pro404=)

Gene: SOX9 (SRY-box transcription factor 9; plus strand). Cytogenetic location: 17q24.3.
Variant type: single nucleotide variant.
Coding change: c.1212C>G on transcript NM_000346.4 (MANE Select); coding-DNA position 1212, C replaced by G.
Protein change: p.Pro404=; no amino-acid change (proline 404 retained).
Molecular consequence: synonymous variant.
Genome position (GRCh38, 1-based): chr17:72,124,069, C>G. VCF-style: chr17-72124069-C-G. GRCh37 (hg19) VCF-style: chr17-70120210-C-G.
Identifiers: ClinVar variation 3036514 (VCV003036514.2), dbSNP rs749575769, ClinGen allele CA501432883.

ClinVar aggregate classification (germline): Likely benign (0 of 4 stars; one submission).

Conditions:
SOX9-related disorder. Also called: SOX9-related condition.

gnomAD v4.1: 5 of 1,613,370 alleles (0.00031%); highest among the groups gnomAD compares: Admixed American, 0.0067%; no homozygotes.

Submission:

PreventionGenetics, part of Exact Sciences
Classification: Likely benign for SOX9-related condition. Last evaluated: 2020-06-17. Review status: no assertion criteria provided. Collection method: clinical testing. Allele origin: germline.
Comment: This variant is classified as likely benign based on ACMG/AMP sequence variant interpretation guidelines (Richards et al. 2015 PMID: 25741868, with internal and published modifications).